The following is an entry in ClinVar:

ClinVar aggregate classification (germline): Conflicting classifications of pathogenicity. Review status: criteria provided, conflicting classifications (1 of 4 stars). 4 submissions from 4 submitters: Uncertain significance (2); Likely benign (2). Last evaluated 2026-01-16.

Conditions:
Tumor predisposition syndrome 3 (TPDS3). Also called: Glioma susceptibility 9; LONG TELOMERE SYNDROME, POT1-RELATED; POT1 Tumor Predisposition; Melanoma, cutaneous malignant, susceptibility to, 10. Identifiers: Orphanet 618, MedGen C4014476, MONDO:0014368, OMIM 615848.
Hereditary cancer-predisposing syndrome. Also called: Tumor predisposition; Hereditary Cancer Syndrome; Hereditary neoplastic syndrome; Neoplastic Syndromes, Hereditary. Identifiers: Orphanet 140162, MedGen C0027672, MeSH D009386, MONDO:0015356.

Allele frequency attached by ClinVar (database versions not stated): ExAC 0.00001; gnomAD exomes 0.00001; ESP Exome Variant Server 0.00008.
gnomAD v4.1: 14 of 1,603,986 alleles (0.00087%); highest among the groups gnomAD compares: Non-Finnish European, 0.0012%; no homozygotes.

Submissions (4):

Labcorp Genetics (formerly Invitae), Labcorp
Classification: Likely benign for Tumor predisposition syndrome 3. Last evaluated: 2026-01-16. Review status: criteria provided, single submitter. Criteria: Invitae Variant Classification Sherloc (09022015). Collection method: clinical testing. Allele origin: germline.

Quest Diagnostics Nichols Institute San Juan Capistrano
Classification: Uncertain significance. Last evaluated: 2024-07-02. Review status: criteria provided, single submitter. Criteria: Quest Diagnostics criteria. Collection method: clinical testing. Allele origin: unknown.
Comment: The POT1 c.1120C>T (p.Leu374=) synonymous variant has not been reported in individuals with POT1-related conditions in the published literature. The frequency of this variant in the general population, 0.0000083 (2/241120 chromosomes (Genome Aggregation Database)), is uninformative in the assessment of its pathogenicity. Analysis of this variant using software algorithms for the prediction of the effect of nucleotide changes on splicing yielded predictions that this variant does not affect POT1 mRNA splicing. Based on the available information, we are unable to determine the clinical significance of this variant.

GeneDx
Classification: Uncertain significance. Last evaluated: 2023-02-28. Review status: criteria provided, single submitter. Criteria: GeneDx Variant Classification Process June 2021. Collection method: clinical testing. Allele origin: germline. Affected: yes.
Comment: Not observed at a significant frequency in large population cohorts (gnomAD); In silico analysis supports that this variant does not alter splicing; Has not been previously published as pathogenic or benign to our knowledge

Ambry Genetics
Classification: Likely benign for Hereditary cancer-predisposing syndrome. Last evaluated: 2019-01-07. Review status: criteria provided, single submitter. Criteria: Ambry Variant Classification Scheme 2023. Collection method: clinical testing. Allele origin: germline.

NM_015450.3(POT1):c.1120C>T (p.Leu374=)

Gene: POT1 (protection of telomeres 1; minus strand). Cytogenetic location: 7q31.33.
Variant type: single nucleotide variant.
Coding change: c.1120C>T on transcript NM_015450.3 (MANE Select); coding-DNA position 1120, C replaced by T.
Protein change: p.Leu374=; no amino-acid change (leucine 374 retained).
Molecular consequence: synonymous variant. On other transcripts: non-coding transcript variant (3).
Genome position (GRCh38, 1-based): chr7:124,842,850, G>A on the plus strand (C>T on the coding strand, the complement: POT1 is on the minus strand). VCF-style: chr7-124842850-G-A. GRCh37 (hg19) VCF-style: chr7-124482904-G-A.
Other names: c.727C>T, p.Leu243= (NM_001042594.2).
Identifiers: ClinVar variation 818379 (VCV000818379.19), dbSNP rs148091643, ClinGen allele CA4465223.